The following is an entry in ClinVar:

NM_002336.3(LRP6):c.4649T>C (p.Val1550Ala)

Gene: LRP6 (LDL receptor related protein 6; minus strand). Cytogenetic location: 12p13.2.
Variant type: single nucleotide variant.
Coding change: c.4649T>C on transcript NM_002336.3 (MANE Select); coding-DNA position 4649, T replaced by C.
Protein change: p.Val1550Ala; replaces valine 1550 with alanine.
Molecular consequence: missense variant. On other transcripts: 3 prime UTR variant (1), non-coding transcript variant (1).
Genome position (GRCh38, 1-based): chr12:12,121,319, A>G on the plus strand (T>C on the coding strand, the complement: LRP6 is on the minus strand). VCF-style: chr12-12121319-A-G. GRCh37 (hg19) VCF-style: chr12-12274253-A-G.
Other names: c.4742T>C, p.Val1581Ala (NM_001414244.1); c.4649T>C, p.Val1550Ala (NM_001414245.1); c.4514T>C, p.Val1505Ala (NM_001414246.1); c.4451T>C, p.Val1484Ala (NM_001414247.1); c.*125T>C (NM_001414248.1); c.4286T>C, p.Val1429Ala (NM_001414251.1); c.4196T>C, p.Val1399Ala (NM_001414252.1, NM_001414253.1, NM_001414254.1); c.4142T>C, p.Val1381Ala (NM_001414255.1); short protein forms V1381A, V1399A, V1429A, V1484A, V1505A, V1550A, V1581A.
Identifiers: ClinVar variation 3067644 (VCV003067644.21), dbSNP rs2498555879, ClinGen allele CA383947825.

ClinVar aggregate classification (germline): Uncertain significance (1 of 4 stars; one submission).

Allele frequency attached by ClinVar (database versions not stated): gnomAD exomes below 0.00001.
gnomAD v4.1: 1 of 1,614,184 alleles (0.000062%); highest among the groups gnomAD compares: Non-Finnish European, 0.000085%; no homozygotes.

Submission:

CeGaT Center for Human Genetics Tuebingen
Classification: Uncertain significance. Last evaluated: 2024-03-01. Review status: criteria provided, single submitter. Criteria: CeGaT Center For Human Genetics Tuebingen Variant Classification Criteria Version 2. Collection method: clinical testing. Allele origin: germline. Affected: yes. Observed: 1 variant allele.
Comment: LRP6: PM2, BP4